The following is an entry in ClinVar:

ClinVar aggregate classification (germline): Uncertain significance. Review status: criteria provided, multiple submitters, no conflicts (2 of 4 stars). 8 submissions from 4 submitters: Uncertain significance (8). Last evaluated 2023-08-09.

Conditions:
Cardiovascular phenotype. Identifiers: MedGen CN230736.
Dilated cardiomyopathy 1G (CMD1G). Identifiers: Orphanet 154, MedGen C1858763, MONDO:0011400, OMIM 604145.
Autosomal recessive limb-girdle muscular dystrophy type 2J (LGMDR10). Also called: MUSCULAR DYSTROPHY, LIMB-GIRDLE, AUTOSOMAL RECESSIVE 10; Limb-girdle muscular dystrophy, type 2J. Identifiers: Orphanet 140922, MedGen C1837342, MONDO:0012127, OMIM 608807.
Early-onset myopathy with fatal cardiomyopathy (CMYO5). Also called: CONGENITAL MYOPATHY 5 WITH CARDIOMYOPATHY; Salih Myopathy. Identifiers: Orphanet 289377, MedGen C2673677, MONDO:0012714, OMIM 611705. Disease mechanism: loss of function.
Hypertrophic cardiomyopathy 9. Also called: Familial hypertrophic cardiomyopathy 9. Identifiers: MedGen C1861065, MONDO:0013412, OMIM 613765.
Tibial muscular dystrophy (TMD). Also called: Udd Distal Myopathy – Tibial Muscular Dystrophy; UDD MYOPATHY; Tibial muscular dystrophy, tardive. Identifiers: Orphanet 609, MedGen C1838244, MONDO:0010870, OMIM 600334.
Myopathy, myofibrillar, 9, with early respiratory failure (MFM9). Also called: Myopathy, distal, with early respiratory failure, autosomal dominant; Hereditary myopathy with early respiratory failure; EDSTROM MYOPATHY; MYOPATHY, PROXIMAL, WITH EARLY RESPIRATORY MUSCLE INVOLVEMENT. Identifiers: Orphanet 178464, Orphanet 34521, MedGen C1863599, MONDO:0011362, OMIM 603689.

Allele frequency attached by ClinVar (database versions not stated): ExAC 0.00001; gnomAD exomes 0.00001; gnomAD 0.00002 and 0.00003; TOPMed 0.00004; ESP Exome Variant Server 0.00008.
gnomAD v4.1: 22 of 1,613,028 alleles (0.0014%); highest among the groups gnomAD compares: Middle Eastern, 0.033%; no homozygotes.

Submissions (8):

Department of Pathology and Laboratory Medicine, Sinai Health System
Classification: Uncertain significance for Tibial muscular dystrophy; Myopathy, myofibrillar, 9, with early respiratory failure; Dilated cardiomyopathy 1G; Autosomal recessive limb-girdle muscular dystrophy type 2J; Early-onset myopathy with fatal cardiomyopathy; Hypertrophic cardiomyopathy 9. Last evaluated: 2023-08-09. Review status: criteria provided, single submitter. Criteria: ACMG Guidelines, 2015. Collection method: research. Allele origin: germline.

Ambry Genetics
Classification: Uncertain significance for Cardiovascular phenotype. Last evaluated: 2019-10-07. Review status: criteria provided, single submitter. Criteria: Ambry Variant Classification Scheme 2023. Collection method: clinical testing. Allele origin: germline.
Comment: The p.P12498A variant (also known as c.37492C>G), located in coding exon 137 of the TTN gene, results from a C to G substitution at nucleotide position 37492. The proline at codon 12498 is replaced by alanine, an amino acid with highly similar properties. This variant was reported (as NM_001267550.1:c.64687C>G p.P21563A) in a dilated cardiomyopathy cohort; however, clinical details were limited (Begay RL et al. J Am Heart Assoc, 2015 Nov;4:[Epub ahead of print]). This amino acid position is highly conserved in available vertebrate species. In addition, the in silico prediction for this alteration is inconclusive. Since supporting evidence is limited at this time, the clinical significance of this alteration remains unclear.

Eurofins Ntd Llc (ga)
Classification: Uncertain significance. Last evaluated: 2018-04-27. Review status: criteria provided, single submitter. Criteria: EGL ClinVar v180209 classification definitions. Collection method: clinical testing. Allele origin: germline. Observed: 1 variant allele, 1 heterozygote.

Illumina Laboratory Services, Illumina
Classification: Uncertain significance for Early-onset myopathy with fatal cardiomyopathy. Last evaluated: 2018-01-13. Review status: criteria provided, single submitter. Criteria: ICSL Variant Classification Criteria 13 December 2019. Collection method: clinical testing. Allele origin: germline.

Illumina Laboratory Services, Illumina
Classification: Uncertain significance for Dilated cardiomyopathy 1G. Last evaluated: 2018-01-13. Review status: criteria provided, single submitter. Criteria: ICSL Variant Classification Criteria 13 December 2019. Collection method: clinical testing. Allele origin: germline.

Illumina Laboratory Services, Illumina
Classification: Uncertain significance for Myopathy, myofibrillar, 9, with early respiratory failure. Last evaluated: 2018-01-13. Review status: criteria provided, single submitter. Criteria: ICSL Variant Classification Criteria 13 December 2019. Collection method: clinical testing. Allele origin: germline.

Illumina Laboratory Services, Illumina
Classification: Uncertain significance for Tibial muscular dystrophy. Last evaluated: 2018-01-13. Review status: criteria provided, single submitter. Criteria: ICSL Variant Classification Criteria 13 December 2019. Collection method: clinical testing. Allele origin: germline.

Illumina Laboratory Services, Illumina
Classification: Uncertain significance for Autosomal recessive limb-girdle muscular dystrophy type 2J. Last evaluated: 2018-01-13. Review status: criteria provided, single submitter. Criteria: ICSL Variant Classification Criteria 13 December 2019. Collection method: clinical testing. Allele origin: germline.

Literature cited by the submitters: PubMed 26567375 (cited by Ambry Genetics).

NM_001267550.2(TTN):c.64687C>G (p.Pro21563Ala)

Genes: TTN (titin; minus strand), TTN-AS1 (TTN antisense RNA 1; plus strand). Cytogenetic location: 2q31.2.
Variant type: single nucleotide variant.
Coding change: c.64687C>G on transcript NM_001267550.2 (MANE Select); coding-DNA position 64687, C replaced by G.
Protein change: p.Pro21563Ala; replaces proline 21563 with alanine.
Molecular consequence: missense variant. On other transcripts: non-coding transcript variant (1).
Genome position (GRCh38, 1-based): chr2:178,584,954, G>C on the plus strand (C>G on the coding strand, the complement: TTN is on the minus strand). VCF-style: chr2-178584954-G-C. GRCh37 (hg19) VCF-style: chr2-179449681-G-C.
Other names: c.59764C>G, p.Pro19922Ala (NM_001256850.1); c.37492C>G, p.Pro12498Ala (NM_003319.4); c.56983C>G, p.Pro18995Ala (NM_133378.4); c.37867C>G, p.Pro12623Ala (NM_133432.3); c.38068C>G, p.Pro12690Ala (NM_133437.4); short protein forms P21563A, P18995A, P12623A, P12498A, P19922A, P12690A.
Identifiers: ClinVar variation 332810 (VCV000332810.12), dbSNP rs72646860, ClinGen allele CA1991857.